The following is an entry in ClinVar:

ClinVar aggregate classification (germline): Pathogenic. Review status: criteria provided, multiple submitters, no conflicts (2 of 4 stars). 9 submissions from 9 submitters: Pathogenic (8). 1 of the submissions does not count toward it. Last evaluated 2025-10-13.

Conditions:
Muscular dystrophy, limb-girdle, autosomal recessive 23. Identifiers: Orphanet 565837, MedGen C4748327, MONDO:0029136, OMIM 618138.
LAMA2-related muscular dystrophy (LAMA2-RD). Also called: Laminin alpha 2-related dystrophy. Identifiers: MedGen C5679788, MONDO:0100228.
Merosin deficient congenital muscular dystrophy (MDC1A). Also called: Congenital Muscular Dystrophy Type 1A (MDC1A); Congenital merosin-deficient muscular dystrophy 1A. Identifiers: Orphanet 258, MedGen C1263858, MONDO:0011925, OMIM 607855.

Allele frequency attached by ClinVar (database versions not stated): TOPMed 0.00001; gnomAD exomes 0.00002; ExAC 0.00003.
gnomAD v4.1: 28 of 1,613,640 alleles (0.0017%); highest among the groups gnomAD compares: East Asian, 0.0045%; no homozygotes.

Submissions (9):

Women's Health and Genetics/Laboratory Corporation of America, LabCorp
Classification: Pathogenic for Merosin deficient congenital muscular dystrophy. Last evaluated: 2025-10-13. Review status: criteria provided, single submitter. Criteria: LabCorp Variant Classification Summary - May 2015. Collection method: clinical testing. Allele origin: germline.
Comment: Variant summary: LAMA2 c.5116C>T (p.Arg1706X) results in a premature termination codon, predicted to cause a truncation of the encoded protein or absence of the protein due to nonsense mediated decay, which are commonly known mechanisms for disease. The variant allele was found at a frequency of 2.4e-05 in 250502 control chromosomes. c.5116C>T has been observed in multiple individuals affected with Merosin deficient congenital muscular dystrophy (Chausova_2025). These data indicate that the variant is very likely to be associated with disease. To our knowledge, no experimental evidence demonstrating an impact on protein function has been reported. The following publication have been ascertained in the context of this evaluation (PMID: 39941024). ClinVar contains an entry for this variant (Variation ID: 287913). Based on the evidence outlined above, the variant was classified as pathogenic.

Institute of Human Genetics, University of Leipzig Medical Center
Classification: Pathogenic for Muscular dystrophy, limb-girdle, autosomal recessive 23. Last evaluated: 2025-10-01. Review status: criteria provided, single submitter. Criteria: ACMG Guidelines, 2015. Collection method: clinical testing. Allele origin: paternal. Inheritance: Autosomal recessive inheritance. Affected: yes.
Comment: Criteria applied: PVS1,PM3_STR,PM2,PP4; Identified as compund heterozygous with NM_000426.4:c.5446-2016A>G

3billion
Classification: Pathogenic for Merosin deficient congenital muscular dystrophy. Last evaluated: 2025-08-05. Review status: criteria provided, single submitter. Criteria: ACMG Guidelines, 2015. Collection method: clinical testing. Allele origin: germline. Affected: yes.
Comment: The variant is observed at an extremely low frequency in the gnomAD v4.1.0 dataset (total allele frequency: 0.002%). Predicted Consequence/Location: Stop-gained (nonsense): predicted to result in a loss or disruption of normal protein function through nonsense-mediated decay (NMD) or protein truncation. Multiple pathogenic variants are reported downstream of the variant. The variant has been reported at least twice as pathogenic with clinical assertions and evidence for the classification (ClinVar ID: VCV000287913 /PMID: 9674786 /3billion dataset). Therefore, this variant is classified as Pathogenic according to the recommendation of ACMG/AMP guideline.

Labcorp Genetics (formerly Invitae), Labcorp
Classification: Pathogenic for LAMA2-related muscular dystrophy. Last evaluated: 2025-07-29. Review status: criteria provided, single submitter. Criteria: Invitae Variant Classification Sherloc (09022015). Collection method: clinical testing. Allele origin: germline.
Comment: This sequence change creates a premature translational stop signal (p.Arg1706*) in the LAMA2 gene. It is expected to result in an absent or disrupted protein product. Loss-of-function variants in LAMA2 are known to be pathogenic (PMID: 18700894, 32904964). This variant is present in population databases (rs758775001, gnomAD 0.006%). This premature translational stop signal has been observed in individual(s) with muscular dystrophy (PMID: 9674786, 20207543, 27708273). ClinVar contains an entry for this variant (Variation ID: 287913). For these reasons, this variant has been classified as Pathogenic.

Baylor Genetics
Classification: Pathogenic for Merosin deficient congenital muscular dystrophy. Last evaluated: 2023-09-20. Review status: criteria provided, single submitter. Criteria: ACMG Guidelines, 2015. Collection method: clinical testing. Allele origin: unknown.

Fulgent Genetics
Classification: Pathogenic for Merosin deficient congenital muscular dystrophy; Muscular dystrophy, limb-girdle, autosomal recessive 23. Last evaluated: 2018-10-31. Review status: criteria provided, single submitter. Criteria: ACMG Guidelines, 2015. Collection method: clinical testing. Allele origin: unknown.

Eurofins Ntd Llc (ga)
Classification: Pathogenic. Last evaluated: 2016-06-01. Review status: criteria provided, single submitter. Criteria: EGL Classification Definitions 2015. Collection method: clinical testing. Allele origin: germline. Observed: 1 variant allele, 1 heterozygote.

Neuberg Centre For Genomic Medicine, NCGM
Classification: Pathogenic for Muscular dystrophy, limb-girdle, autosomal recessive 23. Review status: criteria provided, single submitter. Criteria: ACMG Guidelines, 2015. Collection method: clinical testing. Allele origin: germline. Inheritance: Autosomal recessive inheritance. Affected: yes.
Comment: The stop gained p.R1706* in LAMA2 (NM_000426.4) has been reported previously in affected patients (Geranmayeh F et al, Reddy HM et al). This has been submitted to ClinVar as Pathogenic. The p.R1706* variant is observed in 2/34,524 (0.0058%) alleles from individuals of Latino background in gnomAD Exomes and is novel (not in any individuals) in 1000 Genomes. This variant is predicted to cause loss of normal protein function through protein truncation. Loss of function variants have been reviously reported to be disease causing. For these reasons, this variant has been classified as Pathogenic.

Counsyl
Classification: Pathogenic for Merosin deficient congenital muscular dystrophy. Last evaluated: 2017-12-07. Review status: no assertion criteria provided. Collection method: clinical testing. Allele origin: unknown. Not counted in ClinVar's aggregate classification.

Literature cited by the submitters: PubMed 39941024 (cited by Women's Health and Genetics/Laboratory Corporation of America, LabCorp); PubMed 9674786 (cited by 3 submitters); PubMed 18700894 (cited by Labcorp Genetics (formerly Invitae), Labcorp); PubMed 32904964 (cited by Labcorp Genetics (formerly Invitae), Labcorp); PubMed 20207543 (cited by 3 submitters); PubMed 27708273 (cited by Labcorp Genetics (formerly Invitae), Labcorp and Counsyl); PubMed 25332755 (cited by Counsyl).

NM_000426.4(LAMA2):c.5116C>T (p.Arg1706Ter)

Gene: LAMA2 (laminin subunit alpha 2; plus strand). Cytogenetic location: 6q22.33.
Variant type: single nucleotide variant.
Coding change: c.5116C>T on transcript NM_000426.4 (MANE Select); coding-DNA position 5116, C replaced by T.
Protein change: p.Arg1706Ter; replaces arginine 1706 with a stop codon.
Molecular consequence: nonsense.
Genome position (GRCh38, 1-based): chr6:129,391,535, C>T. VCF-style: chr6-129391535-C-T. GRCh37 (hg19) VCF-style: chr6-129712680-C-T.
Other names: c.5116C>T, p.Arg1706Ter (NM_001079823.2); short protein forms R1706*.
Identifiers: ClinVar variation 287913 (VCV000287913.23), dbSNP rs758775001, ClinGen allele CA3993781.